The following is an entry in ClinVar:

ClinVar aggregate classification (germline): Uncertain significance (1 of 4 stars; one submission).

Submission:

Labcorp Genetics (formerly Invitae), Labcorp
Classification: Uncertain significance. Last evaluated: 2025-04-17. Review status: criteria provided, single submitter. Criteria: Invitae Variant Classification Sherloc (09022015). Collection method: clinical testing. Allele origin: germline.
Comment: This sequence change replaces arginine, which is basic and polar, with glycine, which is neutral and non-polar, at codon 1186 of the SETD5 protein (p.Arg1186Gly). This variant is not present in population databases (gnomAD no frequency). This variant has not been reported in the literature in individuals affected with SETD5-related conditions. Invitae Evidence Modeling of protein sequence and biophysical properties (such as structural, functional, and spatial information, amino acid conservation, physicochemical variation, residue mobility, and thermodynamic stability) has been performed for this missense variant. However, the output from this modeling did not meet the statistical confidence thresholds required to predict the impact of this variant on SETD5 protein function. In summary, the available evidence is currently insufficient to determine the role of this variant in disease. Therefore, it has been classified as a Variant of Uncertain Significance.

NM_001080517.3(SETD5):c.3556C>G (p.Arg1186Gly)

Gene: SETD5 (SET domain containing 5; plus strand). Cytogenetic location: 3p25.3.
Variant type: single nucleotide variant.
Coding change: c.3556C>G on transcript NM_001080517.3 (MANE Select); coding-DNA position 3556, C replaced by G.
Protein change: p.Arg1186Gly; replaces arginine 1186 with glycine.
Molecular consequence: missense variant.
Genome position (GRCh38, 1-based): chr3:9,474,507, C>G. VCF-style: chr3-9474507-C-G. GRCh37 (hg19) VCF-style: chr3-9516191-C-G.
Other names: c.3262C>G, p.Arg1088Gly (NM_001292043.2, NM_001349451.2); c.3652C>G, p.Arg1218Gly (NM_001437633.1); c.3670C>G, p.Arg1224Gly (NM_001437635.1); c.3613C>G, p.Arg1205Gly (NM_001437643.1); c.3595C>G, p.Arg1199Gly (NM_001437701.1); short protein forms R1199G, R1205G, R1088G, R1218G, R1186G, R1224G.
Identifiers: ClinVar variation 4742025 (VCV004742025.1).